The following is an entry in ClinVar:

ClinVar aggregate classification (germline): Benign. Review status: criteria provided, multiple submitters, no conflicts (2 of 4 stars). 3 submissions from 3 submitters: Benign (3). Last evaluated 2024-09-14.

Conditions:
Ichthyosis bullosa of Siemens (IBS). Also called: Superficial epidermolytic ichthyosis. Identifiers: Orphanet 455, MedGen C0432306, MONDO:0007813, OMIM 146800.

Allele frequency attached by ClinVar (database versions not stated): gnomAD exomes 0.00016 and 0.00035; ExAC 0.00040; ESP Exome Variant Server 0.00115; gnomAD 0.00129 and 0.00133; TOPMed 0.00146; 1000 Genomes Project 30x 0.00156; 1000 Genomes Project 0.00160.

Submissions (3):

Labcorp Genetics (formerly Invitae), Labcorp
Classification: Benign. Last evaluated: 2024-09-14. Review status: criteria provided, single submitter. Criteria: Invitae Variant Classification Sherloc (09022015). Collection method: clinical testing. Allele origin: germline.

Illumina Laboratory Services, Illumina
Classification: Benign for Ichthyosis bullosa of Siemens. Last evaluated: 2018-01-13. Review status: criteria provided, single submitter. Criteria: ICSL Variant Classification Criteria 13 December 2019. Collection method: clinical testing. Allele origin: germline.
Comment: This variant was observed in the ICSL laboratory as part of a predisposition screen in an ostensibly healthy population. It had not been previously curated by ICSL or reported in the Human Gene Mutation Database (HGMD: prior to June 1st, 2018), and was therefore a candidate for classification through an automated scoring system. Utilizing variant allele frequency, disease prevalence and penetrance estimates, and inheritance mode, an automated score was calculated to assess if this variant is too frequent to cause the disease. Based on the score and internal cut-off values, a variant classified as benign is not then subjected to further curation. The score for this variant resulted in a classification of benign for this disease.

Breakthrough Genomics
Classification: Benign. Review status: criteria provided, single submitter. Criteria: ACMG Guidelines, 2015. Collection method: not provided. Allele origin: germline. Inheritance: Autosomal dominant inheritance. Affected: yes.

NM_000423.3(KRT2):c.1500T>C (p.Thr500=)

Gene: KRT2 (keratin 2; minus strand). Cytogenetic location: 12q13.13.
Variant type: single nucleotide variant.
Coding change: c.1500T>C on transcript NM_000423.3 (MANE Select); coding-DNA position 1500, T replaced by C.
Protein change: p.Thr500=; no amino-acid change (threonine 500 retained).
Molecular consequence: synonymous variant.
Genome position (GRCh38, 1-based): chr12:52,645,539, A>G on the plus strand (T>C on the coding strand, the complement: KRT2 is on the minus strand). VCF-style: chr12-52645539-A-G. GRCh37 (hg19) VCF-style: chr12-53039323-A-G.
Identifiers: ClinVar variation 309600 (VCV000309600.13), dbSNP rs142620105, ClinGen allele CA6585450.